The following is an entry in ClinVar:

NM_000064.4(C3):c.1910G>T (p.Gly637Val)

Gene: C3 (complement C3; minus strand). Cytogenetic location: 19p13.3.
Variant type: single nucleotide variant.
Coding change: c.1910G>T on transcript NM_000064.4 (MANE Select); coding-DNA position 1910, G replaced by T.
Protein change: p.Gly637Val; replaces glycine 637 with valine.
Molecular consequence: missense variant.
Genome position (GRCh38, 1-based): chr19:6,707,865, C>A on the plus strand (G>T on the coding strand, the complement: C3 is on the minus strand). VCF-style: chr19-6707865-C-A. GRCh37 (hg19) VCF-style: chr19-6707876-C-A.
Other names: short protein forms G637V.
Identifiers: ClinVar variation 4694936 (VCV004694936.1).

ClinVar aggregate classification (germline): Uncertain significance (1 of 4 stars; one submission).

gnomAD v4.1: 2 of 1,613,926 alleles (0.00012%); highest among the groups gnomAD compares: Non-Finnish European, 0.00017%; no homozygotes.

Submission:

Labcorp Genetics (formerly Invitae), Labcorp
Classification: Uncertain significance. Last evaluated: 2025-02-22. Review status: criteria provided, single submitter. Criteria: Invitae Variant Classification Sherloc (09022015). Collection method: clinical testing. Allele origin: germline.
Comment: This sequence change replaces glycine, which is neutral and non-polar, with valine, which is neutral and non-polar, at codon 637 of the C3 protein (p.Gly637Val). This variant is not present in population databases (gnomAD no frequency). This variant has not been reported in the literature in individuals affected with C3-related conditions. Invitae Evidence Modeling of protein sequence and biophysical properties (such as structural, functional, and spatial information, amino acid conservation, physicochemical variation, residue mobility, and thermodynamic stability) indicates that this missense variant is expected to disrupt C3 protein function with a positive predictive value of 80%. In summary, the available evidence is currently insufficient to determine the role of this variant in disease. Therefore, it has been classified as a Variant of Uncertain Significance.